The following is an entry in ClinVar:

ClinVar aggregate classification (germline): Uncertain significance. Review status: criteria provided, multiple submitters, no conflicts (2 of 4 stars). 3 submissions from 3 submitters: Uncertain significance (2). 1 of the submissions does not count toward it. Last evaluated 2024-07-14.

Conditions:
Neuronal ceroid lipofuscinosis 2. Also called: JANSKY-BIELSCHOWSKY DISEASE NEURONAL CEROID LIPOFUSCINOSIS, LATE INFANTILE; TPP1-Related Neuronal Ceroid-Lipofuscinosis. Identifiers: Orphanet 168491, Orphanet 228349, Orphanet 79264, MedGen C1876161, MONDO:0008769, OMIM 204500.

Allele frequency attached by ClinVar (database versions not stated): gnomAD exomes below 0.00001; TOPMed 0.00001; gnomAD 0.00002.

Submissions (3):

Labcorp Genetics (formerly Invitae), Labcorp
Classification: Uncertain significance. Last evaluated: 2024-07-14. Review status: criteria provided, single submitter. Criteria: Invitae Variant Classification Sherloc (09022015). Collection method: clinical testing. Allele origin: germline.
Comment: This sequence change replaces alanine, which is neutral and non-polar, with threonine, which is neutral and polar, at codon 555 of the TPP1 protein (p.Ala555Thr). This variant is present in population databases (no rsID available, gnomAD 0.0009%). This variant has not been reported in the literature in individuals affected with TPP1-related conditions. ClinVar contains an entry for this variant (Variation ID: 946736). Advanced modeling of protein sequence and biophysical properties (such as structural, functional, and spatial information, amino acid conservation, physicochemical variation, residue mobility, and thermodynamic stability) has been performed at Invitae for this missense variant, however the output from this modeling did not meet the statistical confidence thresholds required to predict the impact of this variant on TPP1 protein function. In summary, the available evidence is currently insufficient to determine the role of this variant in disease. Therefore, it has been classified as a Variant of Uncertain Significance.

GeneDx
Classification: Uncertain significance. Last evaluated: 2024-06-05. Review status: criteria provided, single submitter. Criteria: GeneDx Variant Classification Process June 2021. Collection method: clinical testing. Allele origin: germline. Affected: yes.
Comment: Not observed at significant frequency in large population cohorts (gnomAD); In silico analysis indicates that this missense variant does not alter protein structure/function; Has not been previously published as pathogenic or benign to our knowledge

Natera, Inc.
Classification: Uncertain significance for Neuronal ceroid lipofuscinosis 2. Last evaluated: 2020-06-18. Review status: no assertion criteria provided. Collection method: clinical testing. Allele origin: germline. Not counted in ClinVar's aggregate classification.

NM_000391.4(TPP1):c.1663G>A (p.Ala555Thr)

Gene: TPP1 (tripeptidyl peptidase 1; minus strand). Cytogenetic location: 11p15.4.
Variant type: single nucleotide variant.
Coding change: c.1663G>A on transcript NM_000391.4 (MANE Select); coding-DNA position 1663, G replaced by A.
Protein change: p.Ala555Thr; replaces alanine 555 with threonine.
Molecular consequence: missense variant.
Genome position (GRCh38, 1-based): chr11:6,614,575, C>T on the plus strand (G>A on the coding strand, the complement: TPP1 is on the minus strand). VCF-style: chr11-6614575-C-T. GRCh37 (hg19) VCF-style: chr11-6635806-C-T.
Other names: short protein forms A555T.
Identifiers: ClinVar variation 946736 (VCV000946736.8), dbSNP rs1421089514, ClinGen allele CA379471980.
Genomic context (GRCh38, chr11:6,614,575, plus strand): 5'-GGGACAAGCCATCTCTCCTGATAGGAAAGGGTCAGGGGTTGAGTAGAGTCTTCAGCAAAG[C>T]TGGGAAGTTGGGTGTTCCCCAGCCTGTTACAGGATCCCAGCCAGGACCAGAGCAGAAACC-3'
Protein context (NP_000382.3, residues 545-563): VTGWGTPNFP[Ala555Thr]LLKTLLNP